The following is an entry in ClinVar:

NM_017617.5(NOTCH1):c.1862G>A (p.Arg621His)

Gene: NOTCH1 (notch receptor 1; minus strand). Cytogenetic location: 9q34.3.
Variant type: single nucleotide variant.
Coding change: c.1862G>A on transcript NM_017617.5 (MANE Select); coding-DNA position 1862, G replaced by A.
Protein change: p.Arg621His; replaces arginine 621 with histidine.
Molecular consequence: missense variant.
Genome position (GRCh38, 1-based): chr9:136,515,524, C>T on the plus strand (G>A on the coding strand, the complement: NOTCH1 is on the minus strand). VCF-style: chr9-136515524-C-T. GRCh37 (hg19) VCF-style: chr9-139409976-C-T.
Other names: p.Arg621His; c.1862G>A, p.Arg621His (LRG_1122t1); short protein forms R621H.
Identifiers: ClinVar variation 134910 (VCV000134910.51), dbSNP rs138504021, ClinGen allele CA161147.

ClinVar aggregate classification (germline): Benign/Likely benign. Review status: criteria provided, multiple submitters, no conflicts (2 of 4 stars). 14 submissions from 13 submitters: Benign (1); Likely benign (12). 1 of the submissions does not count toward it. Last evaluated 2026-09-01.

Conditions:
Connective tissue disorder. Also called: Connective tissue disease. Identifiers: MedGen C0009782, MONDO:0003900.
Adams-Oliver syndrome 5 (AOS5). Identifiers: Orphanet 974, MedGen C4014970, MONDO:0014459, OMIM 616028.
Familial thoracic aortic aneurysm and aortic dissection (TAAD). Also called: Thoracic aortic aneurysms and dissections. Identifiers: Orphanet 91387, MedGen C4707243, MONDO:0019625.
Aortic valve disease 1 (AOVD1). Identifiers: MedGen C3887892, MONDO:0024523, OMIM 109730.

Allele frequency attached by ClinVar (database versions not stated): 1000 Genomes Project 30x 0.00047; 1000 Genomes Project 0.00060; gnomAD 0.00092; gnomAD exomes 0.00104; TOPMed 0.00106; ExAC 0.00120; ESP Exome Variant Server 0.00125.
gnomAD v4.1: 1,886 of 1,611,926 alleles (0.12%); highest among the groups gnomAD compares: Middle Eastern, 0.58%; 1 homozygote.

Submissions (14):

CeGaT Center for Human Genetics Tuebingen
Classification: Benign. Last evaluated: 2026-09-01. Review status: criteria provided, single submitter. Criteria: CeGaT Center For Human Genetics Tuebingen Variant Classification Criteria Version 2. Collection method: clinical testing. Allele origin: germline. Affected: yes. Observed: 8 variant alleles.
Comment: NOTCH1: BS1, BS2

Labcorp Genetics (formerly Invitae), Labcorp
Classification: Likely benign for Adams-Oliver syndrome 5. Last evaluated: 2026-01-27. Review status: criteria provided, single submitter. Criteria: Invitae Variant Classification Sherloc (09022015). Collection method: clinical testing. Allele origin: germline.

Mayo Clinic Laboratories, Mayo Clinic
Classification: Likely benign. Last evaluated: 2025-06-04. Review status: criteria provided, single submitter. Criteria: ACMG Guidelines, 2015. Collection method: clinical testing. Allele origin: germline. Observed: 11 variant alleles.
Comment: BS1

ARUP Laboratories, Molecular Genetics and Genomics, ARUP Laboratories
Classification: Likely benign. Last evaluated: 2025-05-20. Review status: criteria provided, single submitter. Criteria: ARUP Molecular Germline Variant Investigation Process 2024. Collection method: clinical testing. Allele origin: germline.

Blueprint Genetics
Classification: Likely benign. Last evaluated: 2024-11-22. Review status: criteria provided, single submitter. Criteria: ACMG Guidelines, 2015. Collection method: clinical testing. Allele origin: germline.

Women's Health and Genetics/Laboratory Corporation of America, LabCorp
Classification: Likely benign. Last evaluated: 2024-11-04. Review status: criteria provided, single submitter. Criteria: LabCorp Variant Classification Summary - May 2015. Collection method: clinical testing. Allele origin: germline.

Genome-Nilou Lab
Classification: Likely benign for Adams-Oliver syndrome 5. Last evaluated: 2022-03-15. Review status: criteria provided, single submitter. Criteria: ACMG Guidelines, 2015. Collection method: clinical testing. Allele origin: germline. Affected: no.

Genome-Nilou Lab
Classification: Likely benign for Aortic valve disease 1. Last evaluated: 2022-03-15. Review status: criteria provided, single submitter. Criteria: ACMG Guidelines, 2015. Collection method: clinical testing. Allele origin: germline. Affected: no.

GeneDx
Classification: Likely benign. Last evaluated: 2021-02-19. Review status: criteria provided, single submitter. Criteria: GeneDx Variant Classification Process June 2021. Collection method: clinical testing. Allele origin: germline. Affected: yes.
Comment: This variant is associated with the following publications: (PMID: 24728327, 28387797)

Ambry Genetics
Classification: Likely benign for Familial thoracic aortic aneurysm and aortic dissection. Last evaluated: 2019-02-01. Review status: criteria provided, single submitter. Criteria: Ambry Variant Classification Scheme 2023. Collection method: clinical testing. Allele origin: germline.

CHEO Genetics Diagnostic Laboratory, Children's Hospital of Eastern Ontario
Classification: Likely benign for Familial thoracic aortic aneurysm and aortic dissection. Last evaluated: 2017-09-14. Review status: criteria provided, single submitter. Criteria: ACMG Guidelines, 2015. Collection method: clinical testing. Allele origin: germline. Study: Canadian Open Genetics Repository.

Center for Human Genetics, Inc
Classification: Likely benign for Connective tissue disorder. Last evaluated: 2016-11-01. Review status: criteria provided, single submitter. Criteria: ACMG Guidelines, 2015. Collection method: clinical testing. Allele origin: germline. Affected: yes.

Breakthrough Genomics
Classification: Likely benign. Review status: criteria provided, single submitter. Criteria: ACMG Guidelines, 2015. Collection method: not provided. Allele origin: germline. Inheritance: Autosomal dominant inheritance. Affected: yes.

ITMI
No classification provided. Condition: AllHighlyPenetrant. Last evaluated: 2013-09-19. Review status: no classification provided. Collection method: reference population. Allele origin: germline. Not counted in ClinVar's aggregate classification.
Comment: Please see associated publication for description of ethnicities

Literature cited by the submitters: PubMed 28387797 (cited by Mayo Clinic Laboratories, Mayo Clinic and Ambry Genetics); PubMed 24943832 (cited by Women's Health and Genetics/Laboratory Corporation of America, LabCorp); PubMed 16614245 (cited by Women's Health and Genetics/Laboratory Corporation of America, LabCorp); PubMed 21670202 (cited by Women's Health and Genetics/Laboratory Corporation of America, LabCorp); PubMed 22210878 (cited by Women's Health and Genetics/Laboratory Corporation of America, LabCorp); PubMed 19635999 (cited by Women's Health and Genetics/Laboratory Corporation of America, LabCorp); PubMed 26837699 (cited by Women's Health and Genetics/Laboratory Corporation of America, LabCorp); PubMed 23086750 (cited by Women's Health and Genetics/Laboratory Corporation of America, LabCorp); PubMed 19245433 (cited by Women's Health and Genetics/Laboratory Corporation of America, LabCorp); PubMed 22077063 (cited by Women's Health and Genetics/Laboratory Corporation of America, LabCorp); PubMed 15472075 (cited by Women's Health and Genetics/Laboratory Corporation of America, LabCorp); PubMed 23734977 (cited by Women's Health and Genetics/Laboratory Corporation of America, LabCorp); PubMed 22858860 (cited by Women's Health and Genetics/Laboratory Corporation of America, LabCorp); PubMed 24728327 (cited by ITMI).